The following is an entry in ClinVar:

NM_000078.3(CETP):c.869T>C (p.Leu290Pro)

Gene: CETP (cholesteryl ester transfer protein; plus strand). Cytogenetic location: 16q13.
Variant type: single nucleotide variant.
Coding change: c.869T>C on transcript NM_000078.3 (MANE Select); coding-DNA position 869, T replaced by C.
Protein change: p.Leu290Pro; replaces leucine 290 with proline.
Molecular consequence: missense variant. On other transcripts: intron variant (1).
Genome position (GRCh38, 1-based): chr16:56,973,449, T>C. VCF-style: chr16-56973449-T-C. GRCh37 (hg19) VCF-style: chr16-57007361-T-C.
Other names: p.Leu290Pro; c.750+1366T>C (NM_001286085.2); short protein forms L290P.
Identifiers: ClinVar variation 1804584 (VCV001804584.10), dbSNP rs369941536, ClinGen allele CA8071129.

ClinVar aggregate classification (germline): Uncertain significance. Review status: criteria provided, multiple submitters, no conflicts (2 of 4 stars). 4 submissions from 4 submitters: Uncertain significance (4). Last evaluated 2025-12-15.

Allele frequency attached by ClinVar (database versions not stated): ExAC 0.00007; TOPMed 0.00011; ESP Exome Variant Server 0.00015; gnomAD 0.00015.

Submissions (4):

Labcorp Genetics (formerly Invitae), Labcorp
Classification: Uncertain significance. Last evaluated: 2025-12-15. Review status: criteria provided, single submitter. Criteria: Invitae Variant Classification Sherloc (09022015). Collection method: clinical testing. Allele origin: germline.
Comment: This sequence change replaces leucine, which is neutral and non-polar, with proline, which is neutral and non-polar, at codon 290 of the CETP protein (p.Leu290Pro). This variant is present in population databases (rs369941536, gnomAD 0.02%). This variant has not been reported in the literature in individuals affected with CETP-related conditions. ClinVar contains an entry for this variant (Variation ID: 1804584). Invitae Evidence Modeling of protein sequence and biophysical properties (such as structural, functional, and spatial information, amino acid conservation, physicochemical variation, residue mobility, and thermodynamic stability) indicates that this missense variant is expected to disrupt CETP protein function with a positive predictive value of 80%. In summary, the available evidence is currently insufficient to determine the role of this variant in disease. Therefore, it has been classified as a Variant of Uncertain Significance.

Ambry Genetics
Classification: Uncertain significance. Last evaluated: 2024-11-10. Review status: criteria provided, single submitter. Criteria: Ambry Variant Classification Scheme 2023. Collection method: clinical testing. Allele origin: germline.

GeneDx
Classification: Uncertain significance. Last evaluated: 2024-08-04. Review status: criteria provided, single submitter. Criteria: GeneDx Variant Classification Process June 2021. Collection method: clinical testing. Allele origin: germline.
Comment: Has not been previously published as pathogenic or benign in association with a CETP-related disorder to our knowledge; In silico analysis supports that this missense variant has a deleterious effect on protein structure/function; This variant is associated with the following publications: (PMID: 34662886)

Mayo Clinic Laboratories, Mayo Clinic
Classification: Uncertain significance. Last evaluated: 2023-07-13. Review status: criteria provided, single submitter. Criteria: ACMG Guidelines, 2015. Collection method: clinical testing. Allele origin: germline. Observed: 1 variant allele.